The following is an entry in ClinVar:

ClinVar aggregate classification (germline): Pathogenic (1 of 4 stars; one submission).

Conditions:
Hereditary spastic paraplegia 4. Also called: Spastic Paraplegia 4; Familial spastic paraplegia autosomal dominant 2; Spastic paraplegia 4, autosomal dominant. Identifiers: Orphanet 100985, MedGen C1866855, MONDO:0008438, OMIM 182601.

Allele frequency attached by ClinVar (database versions not stated): gnomAD 0.00001.
gnomAD v4.1: 1 of 1,612,342 alleles (0.000062%); highest among the groups gnomAD compares: Non-Finnish European, 0.000085%; no homozygotes.

Submission:

Labcorp Genetics (formerly Invitae), Labcorp
Classification: Pathogenic for Hereditary spastic paraplegia 4. Last evaluated: 2022-02-10. Review status: criteria provided, single submitter. Criteria: Invitae Variant Classification Sherloc (09022015). Collection method: clinical testing. Allele origin: germline.
Comment: For these reasons, this variant has been classified as Pathogenic. This variant disrupts the p.Pro374 amino acid residue in SPAST. Other variant(s) that disrupt this residue have been observed in individuals with SPAST-related conditions (PMID: 16009377, 18701882), which suggests that this may be a clinically significant amino acid residue. Advanced modeling of protein sequence and biophysical properties (such as structural, functional, and spatial information, amino acid conservation, physicochemical variation, residue mobility, and thermodynamic stability) performed at Invitae indicates that this missense variant is expected to disrupt SPAST protein function. ClinVar contains an entry for this variant (Variation ID: 536437). This missense change has been observed in individuals with hereditary spastic paraplegia (Invitae). This variant is present in population databases (no rsID available, gnomAD 0.007%). This sequence change replaces proline, which is neutral and non-polar, with leucine, which is neutral and non-polar, at codon 374 of the SPAST protein (p.Pro374Leu).

Literature cited by the submitters: PubMed 16009377; PubMed 18701882.

NM_014946.4(SPAST):c.1121C>T (p.Pro374Leu)

Gene: SPAST (spastin; plus strand). Cytogenetic location: 2p22.3.
Variant type: single nucleotide variant.
Coding change: c.1121C>T on transcript NM_014946.4 (MANE Select); coding-DNA position 1121, C replaced by T.
Protein change: p.Pro374Leu; replaces proline 374 with leucine.
Molecular consequence: missense variant.
Genome position (GRCh38, 1-based): chr2:32,126,970, C>T. VCF-style: chr2-32126970-C-T. GRCh37 (hg19) VCF-style: chr2-32352039-C-T.
Other names: c.1118C>T, p.Pro373Leu (NM_001363823.2); c.1022C>T, p.Pro341Leu (NM_001363875.2); c.1025C>T, p.Pro342Leu (NM_001377959.1, NM_199436.2); short protein forms P374L, P342L, P373L, P341L.
Identifiers: ClinVar variation 536437 (VCV000536437.8), dbSNP rs1471030618, ClinGen allele CA346501238.
Genomic context (GRCh38, chr2:32,126,970, plus strand): 5'-TAGAATCATAGTTGTAAACTAAAGTATATATTTTTTAGTTGTTCACAGGGCTTAGAGCTC[C>T]TGCCAGAGGGCTGTTACTCTTTGGTCCACCTGGGAATGGGAAGACAATGCTGGTAAGGGT-3'
Protein context (NP_055761.2, residues 364-384): RPELFTGLRA[Pro374Leu]ARGLLLFGPP